The following is an entry in ClinVar:

ClinVar aggregate classification (germline): Uncertain significance (1 of 4 stars; one submission).

Conditions:
PLXNA3-related disorder. Also called: PLXNA3-related condition.

gnomAD v4.1: 23 of 1,210,616 alleles (0.0019%); highest among the groups gnomAD compares: Non-Finnish European, 0.0022%; no homozygotes.

Submission:

PreventionGenetics, part of Exact Sciences
Classification: Uncertain significance for PLXNA3-related condition. Last evaluated: 2025-04-28. Review status: criteria provided, single submitter. Criteria: ACMG Guidelines, 2015. Collection method: clinical testing. Allele origin: germline.
Comment: The PLXNA3 c.2807C>T variant is predicted to result in the amino acid substitution p.Thr936Met. To our knowledge, this variant has not been reported in the literature. This variant is reported in 0.0077% of alleles in individuals of African descent in gnomAD, including one hemizygous individual. At this time, the clinical significance of this variant is uncertain due to the absence of conclusive functional and genetic evidence.

NM_017514.5(PLXNA3):c.2807C>T (p.Thr936Met)

Gene: PLXNA3 (plexin A3; plus strand). Cytogenetic location: Xq28.
Variant type: single nucleotide variant.
Coding change: c.2807C>T on transcript NM_017514.5 (MANE Select); coding-DNA position 2807, C replaced by T.
Protein change: p.Thr936Met; replaces threonine 936 with methionine.
Molecular consequence: missense variant.
Genome position (GRCh38, 1-based): chrX:154,466,383, C>T. VCF-style: chrX-154466383-C-T. GRCh37 (hg19) VCF-style: chrX-153694726-C-T.
Other names: short protein forms T936M.
Identifiers: ClinVar variation 4979873 (VCV004979873.1).